The following is an entry in ClinVar:

NM_002354.3(EPCAM):c.696C>A (p.Asp232Glu)

Gene: EPCAM (epithelial cell adhesion molecule; plus strand). Cytogenetic location: 2p21.
Variant type: single nucleotide variant.
Coding change: c.696C>A on transcript NM_002354.3 (MANE Select); coding-DNA position 696, C replaced by A.
Protein change: p.Asp232Glu; replaces aspartic acid 232 with glutamic acid.
Molecular consequence: missense variant.
Genome position (GRCh38, 1-based): chr2:47,379,807, C>A. VCF-style: chr2-47379807-C-A. GRCh37 (hg19) VCF-style: chr2-47606946-C-A.
Other names: short protein forms D232E.
Identifiers: ClinVar variation 4827125 (VCV004827125.1).

ClinVar aggregate classification (germline): Uncertain significance (1 of 4 stars; one submission).

Conditions:
Hereditary cancer-predisposing syndrome. Also called: Neoplastic Syndromes, Hereditary; Tumor predisposition; Hereditary Cancer Syndrome; Hereditary neoplastic syndrome. Identifiers: Orphanet 140162, MedGen C0027672, MeSH D009386, MONDO:0015356.

Submission:

Ambry Genetics
Classification: Uncertain significance for Hereditary cancer-predisposing syndrome. Last evaluated: 2026-03-11. Review status: criteria provided, single submitter. Criteria: Ambry Variant Classification Scheme 2023. Collection method: clinical testing. Allele origin: germline.
Comment: The p.D232E variant (also known as c.696C>A), located in coding exon 7 of the EPCAM gene, results from a C to A substitution at nucleotide position 696. The aspartic acid at codon 232 is replaced by glutamic acid, an amino acid with highly similar properties. This amino acid position is conserved. In addition, this alteration is predicted to be tolerated by in silico analysis. Based on the available evidence, the clinical significance of this variant remains unclear.